The following is an entry in ClinVar:

NM_004183.4(BEST1):c.1746A>C (p.Glu582Asp)

Gene: BEST1 (bestrophin 1; plus strand). Cytogenetic location: 11q12.3.
Variant type: single nucleotide variant.
Coding change: c.1746A>C on transcript NM_004183.4 (MANE Select); coding-DNA position 1746, A replaced by C.
Protein change: p.Glu582Asp; replaces glutamic acid 582 with aspartic acid.
Molecular consequence: missense variant. On other transcripts: non-coding transcript variant (1).
Genome position (GRCh38, 1-based): chr11:61,964,110, A>C. VCF-style: chr11-61964110-A-C. GRCh37 (hg19) VCF-style: chr11-61731582-A-C.
Other names: c.*961A>C (NM_001139443.3, NM_001363591.3, NM_001363593.3); c.1485A>C, p.Glu495Asp (NM_001300786.2); c.1566A>C, p.Glu522Asp (NM_001300787.2); c.*1851A>C (NM_001363592.2); short protein forms E495D, E522D, E582D.
Identifiers: ClinVar variation 2808693 (VCV002808693.3), dbSNP rs2134480680, ClinGen allele CA380853246.
Genomic context (GRCh38, chr11:61,964,110, plus strand): 5'-TTGAAATGAAGGGACCTTCCATACTTATGCTGTTAATACTTTCATTCTCACTAGGGATGA[A>C]GCACATTCCTAACCTGCTTCCTAATGGGGATGCTTCGCCAGCCAGGTCCTCACCTGTGTG-3'
Protein context (NP_004174.1, residues 572-585): DPYWALENRD[Glu582Asp]AHS

ClinVar aggregate classification (germline): Uncertain significance (1 of 4 stars; one submission).

Submission:

Labcorp Genetics (formerly Invitae), Labcorp
Classification: Uncertain significance. Last evaluated: 2022-10-16. Review status: criteria provided, single submitter. Criteria: Invitae Variant Classification Sherloc (09022015). Collection method: clinical testing. Allele origin: germline.
Comment: This sequence change replaces glutamic acid, which is acidic and polar, with aspartic acid, which is acidic and polar, at codon 582 of the BEST1 protein (p.Glu582Asp). This variant is not present in population databases (gnomAD no frequency). This variant has not been reported in the literature in individuals affected with BEST1-related conditions. Algorithms developed to predict the effect of missense changes on protein structure and function (SIFT, PolyPhen-2, Align-GVGD) all suggest that this variant is likely to be tolerated. In summary, the available evidence is currently insufficient to determine the role of this variant in disease. Therefore, it has been classified as a Variant of Uncertain Significance.